The following is an entry in ClinVar:

ClinVar aggregate classification (germline): Uncertain significance (1 of 4 stars; one submission).

Conditions:
Juvenile polyposis syndrome (JPS). Identifiers: Orphanet 2929, MedGen C0345893, MONDO:0017380, OMIM 174900.

Allele frequency attached by ClinVar (database versions not stated): gnomAD exomes below 0.00001.
gnomAD v4.1: 1 of 1,614,084 alleles (0.000062%); no homozygotes.

Submission:

Labcorp Genetics (formerly Invitae), Labcorp
Classification: Uncertain significance for Juvenile polyposis syndrome. Last evaluated: 2024-02-14. Review status: criteria provided, single submitter. Criteria: Invitae Variant Classification Sherloc (09022015). Collection method: clinical testing. Allele origin: germline.
Comment: This sequence change replaces isoleucine, which is neutral and non-polar, with valine, which is neutral and non-polar, at codon 234 of the BMPR1A protein (p.Ile234Val). This variant is not present in population databases (gnomAD no frequency). This variant has not been reported in the literature in individuals affected with BMPR1A-related conditions. ClinVar contains an entry for this variant (Variation ID: 1349576). Advanced modeling of protein sequence and biophysical properties (such as structural, functional, and spatial information, amino acid conservation, physicochemical variation, residue mobility, and thermodynamic stability) has been performed at Invitae for this missense variant, however the output from this modeling did not meet the statistical confidence thresholds required to predict the impact of this variant on BMPR1A protein function. In summary, the available evidence is currently insufficient to determine the role of this variant in disease. Therefore, it has been classified as a Variant of Uncertain Significance.

NM_004329.3(BMPR1A):c.700A>G (p.Ile234Val)

Gene: BMPR1A (bone morphogenetic protein receptor type 1A; plus strand). Cytogenetic location: 10q23.2.
Variant type: single nucleotide variant.
Coding change: c.700A>G on transcript NM_004329.3 (MANE Select); coding-DNA position 700, A replaced by G.
Protein change: p.Ile234Val; replaces isoleucine 234 with valine.
Molecular consequence: missense variant.
Genome position (GRCh38, 1-based): chr10:86,917,158, A>G. VCF-style: chr10-86917158-A-G. GRCh37 (hg19) VCF-style: chr10-88676915-A-G.
Other names: short protein forms I234V.
Identifiers: ClinVar variation 1349576 (VCV001349576.6), dbSNP rs2133574845, ClinGen allele CA377457028.